The following is an entry in ClinVar:

ClinVar aggregate classification (germline): Pathogenic (1 of 4 stars; one submission).

Submission:

Labcorp Genetics (formerly Invitae), Labcorp
Classification: Pathogenic. Last evaluated: 2023-10-11. Review status: criteria provided, single submitter. Criteria: Invitae Variant Classification Sherloc (09022015). Collection method: clinical testing. Allele origin: germline.
Comment: This sequence change affects a donor splice site in intron 8 of the TYMP gene. It is expected to disrupt RNA splicing. Variants that disrupt the donor or acceptor splice site typically lead to a loss of protein function (PMID: 16199547), and loss-of-function variants in TYMP are known to be pathogenic (PMID: 9924029, 15781193). This variant is not present in population databases (gnomAD no frequency). Disruption of this splice site has been observed in individual(s) with clinical features of mitochondrial neurogastrointestinal encephalomyopathy (PMID: 22618301). It has also been observed to segregate with disease in related individuals. ClinVar contains an entry for this variant (Variation ID: 1068334). Algorithms developed to predict the effect of sequence changes on RNA splicing suggest that this variant may disrupt the consensus splice site. For these reasons, this variant has been classified as Pathogenic.

Literature cited by the submitters: PubMed 16199547; PubMed 9924029; PubMed 15781193; PubMed 22618301.

NM_001953.5(TYMP):c.1159+1G>T

Genes: SCO2 (synthesis of cytochrome C oxidase 2; minus strand), TYMP (thymidine phosphorylase; minus strand), LOC130067862 (ATAC-STARR-seq lymphoblastoid silent region 13986; plus strand). Cytogenetic location: 22q13.33.
Variant type: single nucleotide variant.
Coding change: c.1159+1G>T on transcript NM_001953.5 (MANE Select); the canonical splice donor site of the intron after coding-DNA position 1159, G replaced by T.
Molecular consequence: splice donor variant.
Genome position (GRCh38, 1-based): chr22:50,526,245, C>A on the plus strand (G>T on the coding strand, the complement: TYMP is on the minus strand). VCF-style: chr22-50526245-C-A. GRCh37 (hg19) VCF-style: chr22-50964674-C-A.
Other names: c.-14+1G>T (NM_001169109.2); c.1159+1G>T (NM_001257989.1, NM_001257988.1, NM_001113755.3 and 1 more transcripts).
Identifiers: ClinVar variation 1068334 (VCV001068334.8), dbSNP rs1044840059, ClinGen allele CA412197239.
Genomic context (GRCh38, chr22:50,526,245, plus strand): 5'-GGGCCTCGGGAAGGGAAGGGGATGGCGGAGGCGGAAGGACGGGGACTCCCCCGACGCTCA[C>A]CATCTGCGGGCGCCAGCAGCTCCTCCTGCTCCCGGGCGCGAGGCAGCAGCTGCCGGCGTT-3'